The following is an entry in ClinVar:

NM_015978.3(TNNI3K):c.2302G>A (p.Glu768Lys)

Genes: FPGT-TNNI3K (FPGT-TNNI3K readthrough; plus strand), LRRC53 (leucine rich repeat containing 53; minus strand), TNNI3K (TNNI3 interacting kinase; plus strand). Cytogenetic location: 1p31.1.
Variant type: single nucleotide variant.
Coding change: c.2302G>A on transcript NM_015978.3 (MANE Select); coding-DNA position 2302, G replaced by A.
Protein change: p.Glu768Lys; replaces glutamic acid 768 with lysine.
Molecular consequence: missense variant. On other transcripts: intron variant (2).
Genome position (GRCh38, 1-based): chr1:74,492,217, G>A. VCF-style: chr1-74492217-G-A. GRCh37 (hg19) VCF-style: chr1-74957901-G-A.
Other names: p.Glu768Lys; p.(Glu768Lys); c.2605G>A, p.Glu869Lys (NM_001112808.3); c.-8-11249C>T (NM_001364666.2); c.-26-8842C>T (NM_001382280.1); short protein forms E768K, E869K.
Identifiers: ClinVar variation 626247 (VCV000626247.16), dbSNP rs202238194, ClinGen allele CA909847.

ClinVar aggregate classification (germline): Pathogenic/Likely pathogenic. Review status: criteria provided, multiple submitters, no conflicts (2 of 4 stars). 10 submissions from 10 submitters: Pathogenic (5); Likely pathogenic (4). 1 of the submissions does not count toward it. Last evaluated 2026-01-18.

Conditions:
TNNI3K-related disorder. Also called: TNNI3K-related condition.
Cardiovascular phenotype. Identifiers: MedGen CN230736.
Atrial conduction disease. Identifiers: Orphanet 436242, MedGen CN221670, MONDO:0014500.

Allele frequency attached by ClinVar (database versions not stated): ExAC 0.00002; gnomAD exomes 0.00002.
gnomAD v4.1: 10 of 1,612,622 alleles (0.00062%); highest among the groups gnomAD compares: Non-Finnish European, 0.00076%; no homozygotes.

Submissions (10):

Labcorp Genetics (formerly Invitae), Labcorp
Classification: Pathogenic. Last evaluated: 2026-01-18. Review status: criteria provided, single submitter. Criteria: Invitae Variant Classification Sherloc (09022015). Collection method: clinical testing. Allele origin: germline.
Comment: This sequence change replaces glutamic acid, which is acidic and polar, with lysine, which is basic and polar, at codon 768 of the TNNI3K protein (p.Glu768Lys). This variant is present in population databases (rs202238194, gnomAD 0.006%). This missense change has been observed in individual(s) with clinical features of TNNI3K-related conditions (PMID: 30010057). It has also been observed to segregate with disease in related individuals. ClinVar contains an entry for this variant (Variation ID: 626247). An algorithm developed to predict the effect of missense changes on protein structure and function (PolyPhen-2) suggests that this variant is likely to be disruptive. Experimental studies have shown that this missense change affects TNNI3K function (PMID: 30010057). For these reasons, this variant has been classified as Pathogenic.

Mayo Clinic Laboratories, Mayo Clinic
Classification: Pathogenic. Last evaluated: 2025-09-02. Review status: criteria provided, single submitter. Criteria: ACMG Guidelines, 2015. Collection method: clinical testing. Allele origin: germline. Observed: 1 variant allele.
Comment: PP1_strong, PM2_supporting, PS3_supporting, PS4

Blueprint Genetics
Classification: Pathogenic for TNNI3K-related disorders. Last evaluated: 2024-09-25. Review status: criteria provided, single submitter. Criteria: ACMG Guidelines, 2015. Collection method: clinical testing. Allele origin: germline. Affected: yes. Observed: 5 variant alleles.

Molecular Diagnostic Laboratory for Inherited Cardiovascular Disease, Montreal Heart Institute
Classification: Pathogenic for Cardiovascular phenotype. Last evaluated: 2024-01-15. Review status: criteria provided, single submitter. Criteria: ACMG Guidelines, 2015. Collection method: clinical testing. Allele origin: germline. Affected: yes.
Comment: PP1_strong, PS4_mod, PM2, PS3_supp, PP5

3billion
Classification: Likely pathogenic for Cardiac conduction disease with or without dilated cardiomyopathy 1. Last evaluated: 2023-10-23. Review status: criteria provided, single submitter. Criteria: ACMG Guidelines, 2015. Collection method: clinical testing. Allele origin: germline. Affected: yes.
Comment: The variant is observed at an extremely low frequency in the gnomAD v2.1.1 dataset (total allele frequency: 0.002%). Predicted Consequence/Location: Missense changes are a common disease-causing mechanism. Functional studies provide moderate evidence of the variant having a damaging effect on the gene or gene product (PMID: 30010057). Same nucleotide change resulting in same amino acid change has been previously reported as pathogenic/likely pathogenic with strong evidence (ClinVar ID: VCV000626247 /PMID: 30010057). Therefore, this variant is classified as Likely pathogenic according to the recommendation of ACMG/AMP guideline.

Genome-Nilou Lab
Classification: Likely pathogenic for Cardiac conduction disease with or without dilated cardiomyopathy 1. Last evaluated: 2023-04-11. Review status: criteria provided, single submitter. Criteria: ACMG Guidelines, 2015. Collection method: clinical testing. Allele origin: germline. Affected: no.

Fulgent Genetics
Classification: Likely pathogenic for Cardiac conduction disease with or without dilated cardiomyopathy 1. Last evaluated: 2022-04-20. Review status: criteria provided, single submitter. Criteria: ACMG Guidelines, 2015. Collection method: clinical testing. Allele origin: unknown.

Victorian Clinical Genetics Services, Murdoch Childrens Research Institute
Classification: Pathogenic for Cardiac conduction disease with or without dilated cardiomyopathy 1. Last evaluated: 2022-03-31. Review status: criteria provided, single submitter. Criteria: ACMG Guidelines, 2015. Collection method: clinical testing. Allele origin: germline. Inheritance: Autosomal dominant inheritance. Affected: yes.
Comment: Based on the classification scheme VCGS_Germline_v1.3.4, this variant is classified as Pathogenic. Following criteria are met: 0101 - Gain of function is a known mechanism of disease in this gene and is associated with cardiac conduction disease with or without dilated cardiomyopathy (MIM#616117). Loss of function and dominant negative have also been suggested as mechanisms, but current evidence is limited (PMIDs: 30010057, 34203974). (I) 0107 - This gene is associated with autosomal dominant disease. (I) 0200 - Variant is predicted to result in a missense amino acid change from glutamic acid to lysine. (I) 0251 - This variant is heterozygous. (I) 0302 - Variant is present in gnomAD (v2) <0.001 for a dominant condition (4 heterozygotes, 0 homozygotes). (SP) 0502 - Missense variant with conflicting in silico predictions and high conservation. (I) 0600 - Variant is located in the annotated serine rich C-terminus domain (PMID: 30010057). (I) 0705 - No comparable missense variants have previous evidence for pathogenicity. (I) 0802 - This variant has moderate previous evidence of pathogenicity in unrelated individuals. This variant has been observed in 24 affected individuals from four families with cardiac phenotypes, predominantly supraventricular tachycardias that in some individuals occurred together with cardiac conduction disease and/or DCM (ClinVar, PMID: 30010057). (SP) 0901 - This variant has strong evidence for segregation with disease. This variant has been observed to segregate with disease in many affected individuals across three generations of three large families (PMID: 30010057). (SP) 1002 - This variant has moderate functional evidence supporting abnormal protein function. Western blot studies in transfected HEK293A cells have shown this variant displays significantly increased autophosphorylation compared to wild type cells (PMID: 30010057). (SP) 1208 - Inheritance information for this variant is not currently available in this individual. (I) Legend: (SP) - Supporting pathogenic, (I) - Information, (SB) - Supporting benign

Equipe Genetique des Anomalies du Developpement, Université de Bourgogne
Classification: Likely pathogenic for Cardiac conduction disease with or without dilated cardiomyopathy 1. Last evaluated: 2016-01-01. Review status: criteria provided, single submitter. Criteria: ACMG Guidelines, 2015. Collection method: clinical testing. Allele origin: inherited. Affected: yes.

OMIM
Classification: Pathogenic for CARDIAC CONDUCTION DISEASE WITH OR WITHOUT CARDIOMYOPATHY 1. Last evaluated: 2025-10-01. Review status: no assertion criteria provided. Collection method: literature only. Allele origin: germline. Not counted in ClinVar's aggregate classification.

Literature cited by the submitters: PubMed 30010057 (cited by 5 submitters); PubMed 30063992 (cited by Mayo Clinic Laboratories, Mayo Clinic); PubMed 31589606 (cited by Mayo Clinic Laboratories, Mayo Clinic); PubMed 33664309 (cited by Mayo Clinic Laboratories, Mayo Clinic); PubMed 34203974 (cited by Mayo Clinic Laboratories, Mayo Clinic and Victorian Clinical Genetics Services, Murdoch Childrens Research Institute); PubMed 35352813 (cited by Mayo Clinic Laboratories, Mayo Clinic); PubMed 37628941 (cited by Mayo Clinic Laboratories, Mayo Clinic); PubMed 38999368 (cited by Mayo Clinic Laboratories, Mayo Clinic); PubMed 40037387 (cited by Mayo Clinic Laboratories, Mayo Clinic).